The following is an entry in ClinVar:

NM_001365276.2(TNXB):c.9044A>G (p.Lys3015Arg)

Gene: TNXB (tenascin XB; minus strand). Cytogenetic location: 6p21.33.
Variant type: single nucleotide variant.
Coding change: c.9044A>G on transcript NM_001365276.2 (MANE Select); coding-DNA position 9044, A replaced by G.
Protein change: p.Lys3015Arg; replaces lysine 3015 with arginine.
Molecular consequence: missense variant.
Genome position (GRCh38, 1-based): chr6:32,052,741, T>C on the plus strand (A>G on the coding strand, the complement: TNXB is on the minus strand). VCF-style: chr6-32052741-T-C. GRCh37 (hg19) VCF-style: chr6-32020518-T-C.
Other names: p.Lys3013Arg; c.9038A>G, p.Lys3013Arg (NM_019105.8); short protein forms K3013R, K3015R.
Identifiers: ClinVar variation 1313554 (VCV001313554.4), dbSNP rs1777360602, ClinGen allele CA363545016.

ClinVar aggregate classification (germline): Conflicting classifications of pathogenicity. Review status: criteria provided, conflicting classifications (1 of 4 stars). 3 submissions from 3 submitters: Uncertain significance (2); Likely benign (1). Last evaluated 2024-10-05.

Conditions:
Cardiovascular phenotype. Identifiers: MedGen CN230736.

Allele frequency attached by ClinVar (database versions not stated): TOPMed 0.00001.

Submissions (3):

Ambry Genetics
Classification: Likely benign for Cardiovascular phenotype. Last evaluated: 2024-10-05. Review status: criteria provided, single submitter. Criteria: Ambry Variant Classification Scheme 2023. Collection method: clinical testing. Allele origin: germline.

Mayo Clinic Laboratories, Mayo Clinic
Classification: Uncertain significance. Last evaluated: 2023-12-21. Review status: criteria provided, single submitter. Criteria: ACMG Guidelines, 2015. Collection method: clinical testing. Allele origin: germline. Observed: 1 variant allele.
Comment: BP4_strong, PM2

GeneDx
Classification: Uncertain significance. Last evaluated: 2020-10-27. Review status: criteria provided, single submitter. Criteria: GeneDx Variant Classification Process June 2021. Collection method: clinical testing. Allele origin: germline. Affected: yes.
Comment: Has not been previously published as pathogenic or benign to our knowledge; Not observed in large population cohorts (Lek et al., 2016); In silico analysis supports that this missense variant does not alter protein structure/function